The following is an entry in ClinVar:

NM_015295.3(SMCHD1):c.182_183del (p.Cys61fs)

Genes: SMCHD1 (structural maintenance of chromosomes flexible hinge domain containing 1; plus strand), LOC130062084 (ATAC-STARR-seq lymphoblastoid silent region 9247; plus strand). Cytogenetic location: 18p11.32.
Variant type: Microsatellite.
Coding change: c.182_183del on transcript NM_015295.3 (MANE Select); coding-DNA positions 182 to 183, 2 bases deleted (GT; older notation c.182_183delGT).
Protein change: p.Cys61fs; shifts the reading frame from cysteine 61.
Molecular consequence: frameshift variant.
Genome position (GRCh38, 1-based): chr18:2,656,257-2,656,258, GT deleted; deleting any 2 consecutive bases within chr18:2,656,249-2,656,258 gives the same sequence; the c. name uses the placement nearest the transcript's 3' end. VCF-style (leftmost placement, unchanged base first): chr18-2656248-CGT-C. GRCh37 (hg19) VCF-style: chr18-2656247-CGT-C.
Other names: short protein forms C61fs.
Identifiers: ClinVar variation 1709897 (VCV001709897.3), dbSNP rs2073052786, ClinGen allele CA628094263.

ClinVar aggregate classification (germline): Pathogenic/Likely pathogenic. Review status: criteria provided, multiple submitters, no conflicts (2 of 4 stars). 2 submissions from 2 submitters: Pathogenic (1); Likely pathogenic (1). Last evaluated 2025-04-10.

Conditions:
Facioscapulohumeral muscular dystrophy 2 (FSHD2). Also called: FACIOSCAPULOHUMERAL MUSCULAR DYSTROPHY 2, DIGENIC; MUSCULAR DYSTROPHY, FACIOSCAPULOHUMERAL, TYPE 1B; FSHD2, DIGENIC. Identifiers: Orphanet 269, MedGen C1834671, MONDO:0008031, OMIM 158901.

Submissions (2):

Labcorp Genetics (formerly Invitae), Labcorp
Classification: Pathogenic for Facioscapulohumeral muscular dystrophy 2. Last evaluated: 2025-04-10. Review status: criteria provided, single submitter. Criteria: Invitae Variant Classification Sherloc (09022015). Collection method: clinical testing. Allele origin: germline.
Comment: This sequence change creates a premature translational stop signal (p.Cys61Serfs*8) in the SMCHD1 gene. It is expected to result in an absent or disrupted protein product. Loss-of-function variants in SMCHD1 are known to be pathogenic (PMID: 23143600). The frequency data for this variant in the population databases is considered unreliable, as metrics indicate poor data quality at this position in the gnomAD database. This variant has not been reported in the literature in individuals affected with SMCHD1-related conditions. For these reasons, this variant has been classified as Pathogenic.

MGZ Medical Genetics Center
Classification: Likely pathogenic for Facioscapulohumeral muscular dystrophy 2. Last evaluated: 2021-08-16. Review status: criteria provided, single submitter. Criteria: ACMG Guidelines, 2015. Collection method: clinical testing. Allele origin: germline. Affected: yes. Observed: 1 variant allele.
Comment: ACMG criteria applied: PVS1, PM2_SUP

Literature cited by the submitters: PubMed 23143600 (cited by Labcorp Genetics (formerly Invitae), Labcorp).